The following is an entry in ClinVar:

NM_002474.3(MYH11):c.4579-24_4579-16dup

Genes: MYH11 (myosin heavy chain 11; minus strand), NDE1 (nudE neurodevelopment protein 1; plus strand). Cytogenetic location: 16p13.11.
Variant type: Duplication.
Coding change: c.4579-24_4579-16dup on transcript NM_002474.3 (MANE Select); 24 bases into the intron before coding-DNA position 4579 through 16 bases into the intron before coding-DNA position 4579, 9 bases duplicated (TGGGGCTGC; older notation c.4579-24_4579-16dupTGGGGCTGC).
Molecular consequence: intron variant.
Genome position (GRCh38, 1-based): chr16:15,721,067-15,721,075, GCAGCCCCA duplicated on the plus strand (TGGGGCTGC on the coding strand, the reverse complement: MYH11 is on the minus strand). VCF-style (leftmost placement, unchanged base first): chr16-15721066-G-GGCAGCCCCA. GRCh37 (hg19) VCF-style: chr16-15814923-G-GGCAGCCCCA.
Other names: c.948-3124_948-3116dup (NM_001143979.2, NM_017668.3); c.4579-24_4579-16dup (NM_022844.3); c.4600-24_4600-16dup (NM_001040114.2, NM_001040113.2).
Identifiers: ClinVar variation 2902380 (VCV002902380.3), dbSNP rs2506121926, ClinGen allele CA2575922768.
Genomic context (GRCh38, chr16:15,721,066, plus strand): 5'-CCATCTGGGTCTCCAGGGCCCGCTTGGACTTCTCCAGCTCATGGACCTGCCGGCAGAGCG[G>GGCAGCCCCA]GCAGCCCCATTCTATGAGGCTCAACTTCATGAAGACGATTGAGAAACCCACCGTGAGCGG-3'

ClinVar aggregate classification (germline): Uncertain significance (1 of 4 stars; one submission).

Conditions:
Aortic aneurysm, familial thoracic 4 (AAT4). Also called: AORTIC ANEURYSM/AORTIC DISSECTION AND PATENT DUCTUS ARTERIOSUS. Identifiers: MedGen C1851504, MONDO:0007568, OMIM 132900.

Submission:

Labcorp Genetics (formerly Invitae), Labcorp
Classification: Uncertain significance for Aortic aneurysm, familial thoracic 4. Last evaluated: 2022-12-04. Review status: criteria provided, single submitter. Criteria: Invitae Variant Classification Sherloc (09022015). Collection method: clinical testing. Allele origin: germline.
Comment: In summary, the available evidence is currently insufficient to determine the role of this variant in disease. Therefore, it has been classified as a Variant of Uncertain Significance. Algorithms developed to predict the effect of sequence changes on RNA splicing suggest that this variant may create or strengthen a splice site. This variant has not been reported in the literature in individuals affected with MYH11-related conditions. This variant is not present in population databases (gnomAD no frequency). This sequence change falls in intron 33 of the MYH11 gene. It does not directly change the encoded amino acid sequence of the MYH11 protein.